The following is an entry in ClinVar:

ClinVar aggregate classification (germline): Conflicting classifications of pathogenicity. Review status: criteria provided, conflicting classifications (1 of 4 stars). 2 submissions from 2 submitters: Uncertain significance (1); Likely benign (1). Last evaluated 2025-03-04.

Conditions:
Hereditary cancer-predisposing syndrome. Also called: Neoplastic Syndromes, Hereditary; Tumor predisposition; Hereditary Cancer Syndrome; Hereditary neoplastic syndrome. Identifiers: Orphanet 140162, MedGen C0027672, MeSH D009386, MONDO:0015356.

Allele frequency attached by ClinVar (database versions not stated): gnomAD exomes below 0.00001; TOPMed below 0.00001.
gnomAD v4.1: 2 of 1,604,742 alleles (0.00012%); highest among the groups gnomAD compares: African/African-American, 0.0013%; no homozygotes.

Submissions (2):

Center for Genomic Medicine, Rigshospitalet, Copenhagen University Hospital
Classification: Likely benign. Last evaluated: 2025-03-04. Review status: criteria provided, single submitter. Criteria: ACMG Guidelines, 2015. Collection method: clinical testing. Allele origin: germline.

Color Diagnostics, LLC DBA Color Health
Classification: Uncertain significance for Hereditary cancer-predisposing syndrome. Last evaluated: 2019-08-05. Review status: criteria provided, single submitter. Criteria: ACMG Guidelines, 2015. Collection method: clinical testing. Allele origin: germline.
Comment: This variant is located in the 5’ untranslated region of the BAP1 gene. To our knowledge, functional assays have not been performed for this variant nor has this variant been reported in individuals affected with hereditary cancer in the literature. This variant has not been identified in the general population by the Genome Aggregation Database (gnomAD). Available evidence is insufficient to determine the role of this variant in disease conclusively. Therefore, this variant is classified as a Variant of Uncertain Significance.

NM_004656.4(BAP1):c.-15C>T

Gene: BAP1 (BRCA1 associated deubiquitinase 1; minus strand). Cytogenetic location: 3p21.1.
Variant type: single nucleotide variant.
Coding change: c.-15C>T on transcript NM_004656.4 (MANE Select); 15 bases upstream of the start codon, C replaced by T.
Molecular consequence: 5 prime UTR variant.
Genome position (GRCh38, 1-based): chr3:52,409,893, G>A on the plus strand (C>T on the coding strand, the complement: BAP1 is on the minus strand). VCF-style: chr3-52409893-G-A. GRCh37 (hg19) VCF-style: chr3-52443909-G-A.
Identifiers: ClinVar variation 918344 (VCV000918344.5), dbSNP rs1705320930, ClinGen allele CA1139658131.